The following is an entry in ClinVar:

NM_018972.4(GDAP1):c.710C>G (p.Pro237Arg)

Gene: GDAP1 (ganglioside induced differentiation associated protein 1; plus strand). Cytogenetic location: 8q21.11.
Variant type: single nucleotide variant.
Coding change: c.710C>G on transcript NM_018972.4 (MANE Select); coding-DNA position 710, C replaced by G.
Protein change: p.Pro237Arg; replaces proline 237 with arginine.
Molecular consequence: missense variant. On other transcripts: intron variant (1).
Genome position (GRCh38, 1-based): chr8:74,364,000, C>G. VCF-style: chr8-74364000-C-G. GRCh37 (hg19) VCF-style: chr8-75276235-C-G.
Other names: c.506C>G, p.Pro169Arg (NM_001040875.4); c.383C>G, p.Pro128Arg (NM_001362929.2, NM_001362932.2); c.536C>G, p.Pro179Arg (NM_001362930.2); c.694+947C>G (NM_001362931.2); short protein forms P237R, P169R, P179R, P128R.
Identifiers: ClinVar variation 406139 (VCV000406139.8), dbSNP rs763963750, ClinGen allele CA4785188.
Genomic context (GRCh38, chr8:74,364,000, plus strand): 5'-GTAGAGTGCTTGCCTCTAATTCTCTATGTCCCTTTCTCTAATTAGAAGAGGGCCAGCAAC[C>G]TTGGCTCTGCGGTGAATCCTTCACCCTGGCAGACGTCTCACTCGCTGTCACATTGCATCG-3'
Protein context (NP_061845.2, residues 227-247): NEETPEEGQQ[Pro237Arg]WLCGESFTLA

ClinVar aggregate classification (germline): Uncertain significance (1 of 4 stars; one submission).

Conditions:
Charcot-Marie-Tooth disease type 4A. Also called: Charcot-Marie-Tooth disease, demyelinating, autosomal recessive, type 4a. Identifiers: Orphanet 99948, MedGen C1859198, MONDO:0008961, OMIM 214400.

Allele frequency attached by ClinVar (database versions not stated): TOPMed below 0.00001; gnomAD 0.00001; gnomAD exomes 0.00003 and 0.00004; ExAC 0.00004.
gnomAD v4.1: 24 of 1,613,922 alleles (0.0015%); highest among the groups gnomAD compares: Non-Finnish European, 0.0013%; no homozygotes.

Submission:

Labcorp Genetics (formerly Invitae), Labcorp
Classification: Uncertain significance for Charcot-Marie-Tooth disease type 4A. Last evaluated: 2020-12-14. Review status: criteria provided, single submitter. Criteria: Invitae Variant Classification Sherloc (09022015). Collection method: clinical testing. Allele origin: germline.
Comment: This sequence change replaces proline with arginine at codon 237 of the GDAP1 protein (p.Pro237Arg). The proline residue is highly conserved and there is a moderate physicochemical difference between proline and arginine. This variant is present in population databases (rs763963750, ExAC 0.008%) but has not been reported in the literature in individuals with a GDAP1-related disease. Algorithms developed to predict the effect of missense changes on protein structure and function do not agree on the potential impact of this missense change (SIFT: "Deleterious"; PolyPhen-2: "Possibly Damaging"; Align-GVGD: "Class C0"). In summary, this variant is a rare missense change with uncertain impact on protein function. There is no indication that it causes disease, but the available evidence is currently insufficient to prove that conclusively. Therefore, it has been classified as a Variant of Uncertain Significance.